The following is an entry in ClinVar:

ClinVar aggregate classification (germline): Benign. Review status: criteria provided, multiple submitters, no conflicts (2 of 4 stars). 4 submissions from 4 submitters: Benign (3). 1 of the submissions does not count toward it. Last evaluated 2026-02-04.

Conditions:
ANKZF1-related disorder. Also called: ANKZF1-related condition.

Allele frequency attached by ClinVar (database versions not stated): 1000 Genomes Project 30x 0.07808; gnomAD exomes 0.11552 and 0.10456; gnomAD 0.10012 and 0.10087; ExAC 0.10476; 1000 Genomes Project 0.07628; TOPMed 0.09917; ESP Exome Variant Server 0.10194.
gnomAD v4.1: 184,265 of 1,614,110 alleles (11%); highest among the groups gnomAD compares: Middle Eastern, 13%; 10,924 homozygotes.

Submissions (4):

Labcorp Genetics (formerly Invitae), Labcorp
Classification: Benign. Last evaluated: 2026-02-04. Review status: criteria provided, single submitter. Criteria: Invitae Variant Classification Sherloc (09022015). Collection method: clinical testing. Allele origin: germline.

Mayo Clinic Laboratories, Mayo Clinic
Classification: Benign. Last evaluated: 2022-09-06. Review status: criteria provided, single submitter. Criteria: ACMG Guidelines, 2015. Collection method: clinical testing. Allele origin: germline. Observed: 24 variant alleles.

Breakthrough Genomics
Classification: Benign. Review status: criteria provided, single submitter. Criteria: ACMG Guidelines, 2015. Collection method: not provided. Allele origin: germline. Inheritance: Unknown mechanism. Affected: yes.

PreventionGenetics, part of Exact Sciences
Classification: Benign for ANKZF1-related condition. Last evaluated: 2019-11-05. Review status: no assertion criteria provided. Collection method: clinical testing. Allele origin: germline. Not counted in ClinVar's aggregate classification.
Comment: This variant is classified as benign based on ACMG/AMP sequence variant interpretation guidelines (Richards et al. 2015 PMID: 25741868, with internal and published modifications).

NM_018089.3(ANKZF1):c.2027C>T (p.Pro676Leu)

Gene: ANKZF1 (ankyrin repeat and zinc finger peptidyl tRNA hydrolase 1; plus strand). Cytogenetic location: 2q35.
Variant type: single nucleotide variant.
Coding change: c.2027C>T on transcript NM_018089.3 (MANE Select); coding-DNA position 2027, C replaced by T.
Protein change: p.Pro676Leu; replaces proline 676 with leucine.
Molecular consequence: missense variant.
Genome position (GRCh38, 1-based): chr2:219,236,065, C>T. VCF-style: chr2-219236065-C-T. GRCh37 (hg19) VCF-style: chr2-220100787-C-T.
Other names: p.Pro676Leu; c.2027C>T, p.Pro676Leu (NM_001042410.2); c.1397C>T, p.Pro466Leu (NM_001282792.2); c.2027C>T (NM_018089.2); short protein forms P466L, P676L.
Identifiers: ClinVar variation 1170465 (VCV001170465.13), dbSNP rs2293079, ClinGen allele CA2121283.